The following is an entry in ClinVar:

ClinVar aggregate classification (germline): Uncertain significance (1 of 4 stars; one submission).

Conditions:
RASopathy. Also called: Noonan spectrum disorder; rasopathies. Identifiers: Orphanet 536391, MedGen C5555857, MONDO:0021060.

gnomAD v4.1: 1 of 1,612,942 alleles (0.000062%); no homozygotes.

Submission:

Labcorp Genetics (formerly Invitae), Labcorp
Classification: Uncertain significance for RASopathy. Last evaluated: 2024-02-01. Review status: criteria provided, single submitter. Criteria: Invitae Variant Classification Sherloc (09022015). Collection method: clinical testing. Allele origin: germline.
Comment: This sequence change replaces arginine, which is basic and polar, with tryptophan, which is neutral and slightly polar, at codon 547 of the SOS1 protein (p.Arg547Trp). This variant is not present in population databases (gnomAD no frequency). This variant has not been reported in the literature in individuals affected with SOS1-related conditions. Advanced modeling of protein sequence and biophysical properties (such as structural, functional, and spatial information, amino acid conservation, physicochemical variation, residue mobility, and thermodynamic stability) performed at Invitae indicates that this missense variant is expected to disrupt SOS1 protein function with a positive predictive value of 95%. In summary, the available evidence is currently insufficient to determine the role of this variant in disease. Therefore, it has been classified as a Variant of Uncertain Significance.

NM_005633.4(SOS1):c.1639C>T (p.Arg547Trp)

Gene: SOS1 (SOS Ras/Rac guanine nucleotide exchange factor 1; minus strand). Cytogenetic location: 2p22.1.
Variant type: single nucleotide variant.
Coding change: c.1639C>T on transcript NM_005633.4 (MANE Select); coding-DNA position 1639, C replaced by T.
Protein change: p.Arg547Trp; replaces arginine 547 with tryptophan.
Molecular consequence: missense variant.
Genome position (GRCh38, 1-based): chr2:39,022,789, G>A on the plus strand (C>T on the coding strand, the complement: SOS1 is on the minus strand). VCF-style: chr2-39022789-G-A. GRCh37 (hg19) VCF-style: chr2-39249930-G-A.
Other names: c.1618C>T, p.Arg540Trp (NM_001382394.1); c.1639C>T, p.Arg547Trp (NM_001382395.1); short protein forms R547W, R540W.
Identifiers: ClinVar variation 3638026 (VCV003638026.2).